The following is an entry in ClinVar:

ClinVar aggregate classification (germline): Conflicting classifications of pathogenicity. Review status: criteria provided, conflicting classifications (1 of 4 stars). 3 submissions from 3 submitters: Uncertain significance (2); Likely benign (1). Last evaluated 2023-09-16.

Conditions:
Hereditary cancer-predisposing syndrome. Also called: Hereditary Cancer Syndrome; Hereditary neoplastic syndrome; Neoplastic Syndromes, Hereditary; Tumor predisposition. Identifiers: Orphanet 140162, MedGen C0027672, MeSH D009386, MONDO:0015356.
Hereditary breast ovarian cancer syndrome. Also called: Hereditary breast and ovarian cancer syndrome (HBOC); Breast and ovarian cancer; Hereditary breast and ovarian cancer syndrome; Hereditary breast and/or ovarian cancer syndrome; BRCA1- and BRCA2-Associated Hereditary Breast and Ovarian Cancer; Hereditary breast and ovarian cancer. Identifiers: Orphanet 145, MedGen C0677776, MeSH D061325, MONDO:0003582. Disease mechanism: loss of function.

Submissions (3):

Ambry Genetics
Classification: Uncertain significance for Hereditary cancer-predisposing syndrome. Last evaluated: 2023-09-16. Review status: criteria provided, single submitter. Criteria: Ambry Variant Classification Scheme 2023. Collection method: clinical testing. Allele origin: germline.
Comment: The p.H476Y variant (also known as c.1426C>T), located in coding exon 9 of the BRCA1 gene, results from a C to T substitution at nucleotide position 1426. The histidine at codon 476 is replaced by tyrosine, an amino acid with similar properties. This amino acid position is not well conserved in available vertebrate species. In addition, the in silico prediction for this alteration is inconclusive. Since supporting evidence is limited at this time, the clinical significance of this alteration remains unclear.

University of Washington Department of Laboratory Medicine, University of Washington
Classification: Likely benign for Hereditary cancer-predisposing syndrome. Last evaluated: 2023-03-23. Review status: criteria provided, single submitter. Criteria: Dines et al. (Genet Med. 2020). Collection method: curation. Allele origin: germline.
Comment: Missense variant in a coldspot region where missense variants are very unlikely to be pathogenic (PMID:31911673).

BRCA1 coldspot (exon 11 using historical exon numbering). Reclassification based on statistical prior probability

Labcorp Genetics (formerly Invitae), Labcorp
Classification: Uncertain significance for Hereditary breast ovarian cancer syndrome. Last evaluated: 2022-02-28. Review status: criteria provided, single submitter. Criteria: Invitae Variant Classification Sherloc (09022015). Collection method: clinical testing. Allele origin: germline.
Comment: In summary, the available evidence is currently insufficient to determine the role of this variant in disease. Therefore, it has been classified as a Variant of Uncertain Significance. Advanced modeling of protein sequence and biophysical properties (such as structural, functional, and spatial information, amino acid conservation, physicochemical variation, residue mobility, and thermodynamic stability) performed at Invitae indicates that this missense variant is not expected to disrupt BRCA1 protein function. This variant has not been reported in the literature in individuals affected with BRCA1-related conditions. This variant is not present in population databases (gnomAD no frequency). This sequence change replaces histidine, which is basic and polar, with tyrosine, which is neutral and polar, at codon 476 of the BRCA1 protein (p.His476Tyr).

NM_007294.4(BRCA1):c.1426C>T (p.His476Tyr)

Gene: BRCA1 (BRCA1 DNA repair associated; minus strand). Cytogenetic location: 17q21.31.
Variant type: single nucleotide variant.
Coding change: c.1426C>T on transcript NM_007294.4 (MANE Select); coding-DNA position 1426, C replaced by T.
Protein change: p.His476Tyr; replaces histidine 476 with tyrosine.
Molecular consequence: missense variant. On other transcripts: intron variant (137).
Genome position (GRCh38, 1-based): chr17:43,094,105, G>A on the plus strand (C>T on the coding strand, the complement: BRCA1 is on the minus strand). VCF-style: chr17-43094105-G-A. GRCh37 (hg19) VCF-style: chr17-41246122-G-A.
Other names: c.1213C>T, p.His405Tyr (NM_001407571.1, NM_001407853.1, NM_001407894.1 and 9 more transcripts); c.1426C>T, p.His476Tyr (NM_001407581.1, NM_001407582.1, NM_001407583.1 and 30 more transcripts); c.1423C>T, p.His475Tyr (NM_001407587.1, NM_001407590.1, NM_001407591.1 and 22 more transcripts); c.1417C>T, p.His473Tyr (NM_001407646.1, NM_001407647.1); c.1303C>T, p.His435Tyr (NM_001407648.1, NM_001407664.1, NM_001407665.1 and 19 more transcripts); c.1300C>T, p.His434Tyr (NM_001407649.1, NM_001407670.1, NM_001407671.1 and 11 more transcripts); c.1348C>T, p.His450Tyr (NM_001407653.1, NM_001407654.1, NM_001407655.1 and 4 more transcripts); c.1345C>T, p.His449Tyr (NM_001407659.1, NM_001407660.1, NM_001407661.1 and 1 more transcripts); and 40 more; short protein forms H348Y, H408Y, H434Y, H449Y, H475Y, H180Y, H388Y, H429Y.
Identifiers: ClinVar variation 1772378 (VCV001772378.17), dbSNP rs2154446641, ClinGen allele CA10599192.
Genomic context (GRCh38, chr17:43,094,105, plus strand): 5'-GCTCTTGTATTATCTGTGGCTCAGTAACAAATGCTCCTATAATTAGATTTTCAGTTACAT[G>A]GCTTAAGTTGGGGAGGCTTGCCTTCTTCCGATAGGTTTTCCCAAATATTTTGTCTTCAAT-3'
Protein context (NP_009225.1, residues 466-486): RKKASLPNLS[His476Tyr]VTENLIIGAF